The following is an entry in ClinVar:

ClinVar aggregate classification (germline): Uncertain significance (1 of 4 stars; one submission).

gnomAD v4.1: 2 of 1,482,816 alleles (0.00013%); highest among the groups gnomAD compares: South Asian, 0.0026%; no homozygotes.

Submission:

Labcorp Genetics (formerly Invitae), Labcorp
Classification: Uncertain significance. Last evaluated: 2024-07-30. Review status: criteria provided, single submitter. Criteria: Invitae Variant Classification Sherloc (09022015). Collection method: clinical testing. Allele origin: germline.
Comment: This sequence change replaces valine, which is neutral and non-polar, with methionine, which is neutral and non-polar, at codon 608 of the TNFRSF11A protein (p.Val608Met). The frequency data for this variant in the population databases is considered unreliable, as metrics indicate poor data quality at this position in the gnomAD database. This variant has not been reported in the literature in individuals affected with TNFRSF11A-related conditions. An algorithm developed to predict the effect of missense changes on protein structure and function (PolyPhen-2) suggests that this variant is likely to be disruptive. In summary, the available evidence is currently insufficient to determine the role of this variant in disease. Therefore, it has been classified as a Variant of Uncertain Significance.

NM_003839.4(TNFRSF11A):c.1822G>A (p.Val608Met)

Gene: TNFRSF11A (TNF receptor superfamily member 11a; plus strand). Cytogenetic location: 18q21.33.
Variant type: single nucleotide variant.
Coding change: c.1822G>A on transcript NM_003839.4 (MANE Select); coding-DNA position 1822, G replaced by A.
Protein change: p.Val608Met; replaces valine 608 with methionine.
Molecular consequence: missense variant. On other transcripts: 3 prime UTR variant (1).
Genome position (GRCh38, 1-based): chr18:62,385,005, G>A. VCF-style: chr18-62385005-G-A. GRCh37 (hg19) VCF-style: chr18-60052238-G-A.
Other names: c.*246G>A (NM_001270949.2); c.985G>A, p.Val329Met (NM_001270950.2); c.871G>A, p.Val291Met (NM_001270951.2); c.1780G>A, p.Val594Met (NM_001278268.2); short protein forms V291M, V594M, V608M, V329M.
Identifiers: ClinVar variation 3693262 (VCV003693262.2).